The following is an entry in ClinVar:

ClinVar aggregate classification (germline): Uncertain significance. Review status: criteria provided, multiple submitters, no conflicts (2 of 4 stars). 2 submissions from 2 submitters: Uncertain significance (2). Last evaluated 2022-12-19.

Conditions:
Colorectal cancer, hereditary nonpolyposis, type 7. Identifiers: Orphanet 144, MedGen C1858380, MONDO:0013725, OMIM 614385.

Submissions (2):

Labcorp Genetics (formerly Invitae), Labcorp
Classification: Uncertain significance for Colorectal cancer, hereditary nonpolyposis, type 7. Last evaluated: 2022-12-19. Review status: criteria provided, single submitter. Criteria: Invitae Variant Classification Sherloc (09022015). Collection method: clinical testing. Allele origin: germline.
Comment: Algorithms developed to predict the effect of missense changes on protein structure and function output the following: SIFT: "Tolerated"; PolyPhen-2: "Benign"; Align-GVGD: "Class C0". The serine amino acid residue is found in multiple mammalian species, which suggests that this missense change does not adversely affect protein function. ClinVar contains an entry for this variant (Variation ID: 1731575). This variant has not been reported in the literature in individuals affected with MLH3-related conditions. This variant is not present in population databases (gnomAD no frequency). This sequence change replaces alanine, which is neutral and non-polar, with serine, which is neutral and polar, at codon 1151 of the MLH3 protein (p.Ala1151Ser). In summary, the available evidence is currently insufficient to determine the role of this variant in disease. Therefore, it has been classified as a Variant of Uncertain Significance.

Ambry Genetics
Classification: Uncertain significance. Last evaluated: 2021-12-11. Review status: criteria provided, single submitter. Criteria: Ambry Variant Classification Scheme 2023. Collection method: clinical testing. Allele origin: germline.
Comment: The p.A1151S variant (also known as c.3451G>T), located in coding exon 3 of the MLH3 gene, results from a G to T substitution at nucleotide position 3451. The alanine at codon 1151 is replaced by serine, an amino acid with similar properties. This amino acid position is conserved. In addition, this alteration is predicted to be tolerated by in silico analysis. Since supporting evidence is limited at this time, the clinical significance of this alteration remains unclear.

NM_001040108.2(MLH3):c.3451G>T (p.Ala1151Ser)

Gene: MLH3 (mutL homolog 3; minus strand). Cytogenetic location: 14q24.3.
Variant type: single nucleotide variant.
Coding change: c.3451G>T on transcript NM_001040108.2 (MANE Select); coding-DNA position 3451, G replaced by T.
Protein change: p.Ala1151Ser; replaces alanine 1151 with serine.
Molecular consequence: missense variant.
Genome position (GRCh38, 1-based): chr14:75,041,629, C>A on the plus strand (G>T on the coding strand, the complement: MLH3 is on the minus strand). VCF-style: chr14-75041629-C-A. GRCh37 (hg19) VCF-style: chr14-75508332-C-A.
Other names: c.3451G>T, p.Ala1151Ser (NM_014381.3); short protein forms A1151S.
Identifiers: ClinVar variation 1731575 (VCV001731575.5), dbSNP rs1891862567, ClinGen allele CA390430487.